The following is an entry in ClinVar:

NM_206933.4(USH2A):c.3506G>A (p.Trp1169Ter)

Genes: USH2A (usherin; minus strand), USH2A-AS1 (USH2A antisense RNA 1; plus strand). Cytogenetic location: 1q41.
Variant type: single nucleotide variant.
Coding change: c.3506G>A on transcript NM_206933.4 (MANE Select); coding-DNA position 3506, G replaced by A.
Protein change: p.Trp1169Ter; replaces tryptophan 1169 with a stop codon.
Molecular consequence: nonsense.
Genome position (GRCh38, 1-based): chr1:216,199,932, C>T on the plus strand (G>A on the coding strand, the complement: USH2A is on the minus strand). VCF-style: chr1-216199932-C-T. GRCh37 (hg19) VCF-style: chr1-216373274-C-T.
Other names: c.3506G>A, p.Trp1169Ter (NM_007123.6); short protein forms W1169*.
Identifiers: ClinVar variation 1065755 (VCV001065755.4), dbSNP rs2102467034, ClinGen allele CA344868368.

ClinVar aggregate classification (germline): Pathogenic/Likely pathogenic. Review status: criteria provided, multiple submitters, no conflicts (2 of 4 stars). 2 submissions from 2 submitters: Pathogenic (1); Likely pathogenic (1). Last evaluated 2025-12-03.

Conditions:
Retinitis pigmentosa 39 (RP39). Identifiers: Orphanet 791, MedGen C3151138, MONDO:0013436, OMIM 613809.

Allele frequency attached by ClinVar (database versions not stated): gnomAD exomes below 0.00001.
gnomAD v4.1: 2 of 1,614,042 alleles (0.00012%); highest among the groups gnomAD compares: South Asian, 0.0011%; no homozygotes.

Submissions (2):

Labcorp Genetics (formerly Invitae), Labcorp
Classification: Pathogenic. Last evaluated: 2025-12-03. Review status: criteria provided, single submitter. Criteria: Invitae Variant Classification Sherloc (09022015). Collection method: clinical testing. Allele origin: germline.
Comment: This sequence change creates a premature translational stop signal (p.Trp1169*) in the USH2A gene. It is expected to result in an absent or disrupted protein product. Loss-of-function variants in USH2A are known to be pathogenic (PMID: 10729113, 10909849, 20507924, 25649381). This variant is not present in population databases (gnomAD no frequency). This premature translational stop signal has been observed in individual(s) with Usher syndrome (PMID: 26969326). ClinVar contains an entry for this variant (Variation ID: 1065755). For these reasons, this variant has been classified as Pathogenic.

Ocular Genomics Institute, Massachusetts Eye and Ear
Classification: Likely pathogenic for Retinitis pigmentosa 39. Last evaluated: 2021-04-08. Review status: criteria provided, single submitter. Criteria: ACMG Guidelines, 2015. Collection method: research. Allele origin: germline. Affected: yes.
Comment: Through a review of available evidence we were able to apply the following criteria: PVS1, PM2. Based on this evidence we have classified this variant as Likely Pathogenic.

Literature cited by the submitters: PubMed 10729113 (cited by Labcorp Genetics (formerly Invitae), Labcorp); PubMed 10909849 (cited by Labcorp Genetics (formerly Invitae), Labcorp); PubMed 20507924 (cited by Labcorp Genetics (formerly Invitae), Labcorp); PubMed 25649381 (cited by Labcorp Genetics (formerly Invitae), Labcorp); PubMed 26969326 (cited by Labcorp Genetics (formerly Invitae), Labcorp and Ocular Genomics Institute, Massachusetts Eye and Ear).